The following is an entry in ClinVar:

NM_022051.3(EGLN1):c.205G>A (p.Val69Met)

Gene: EGLN1 (egl-9 family hypoxia inducible factor 1; minus strand). Cytogenetic location: 1q42.2.
Variant type: single nucleotide variant.
Coding change: c.205G>A on transcript NM_022051.3 (MANE Select); coding-DNA position 205, G replaced by A.
Protein change: p.Val69Met; replaces valine 69 with methionine.
Molecular consequence: missense variant.
Genome position (GRCh38, 1-based): chr1:231,421,684, C>T on the plus strand (G>A on the coding strand, the complement: EGLN1 is on the minus strand). VCF-style: chr1-231421684-C-T. GRCh37 (hg19) VCF-style: chr1-231557430-C-T.
Other names: c.205G>A, p.Val69Met (NM_001377260.1, NM_001377261.1); short protein forms V69M.
Identifiers: ClinVar variation 3274798 (VCV003274798.1).

ClinVar aggregate classification (germline): Uncertain significance (1 of 4 stars; one submission).

Submission:

Ambry Genetics
Classification: Uncertain significance. Last evaluated: 2024-06-12. Review status: criteria provided, single submitter. Criteria: Ambry Variant Classification Scheme 2023. Collection method: clinical testing. Allele origin: germline.
Comment: The p.V69M variant (also known as c.205G>A), located in coding exon 1 of the EGLN1 gene, results from a G to A substitution at nucleotide position 205. The valine at codon 69 is replaced by methionine, an amino acid with highly similar properties. This amino acid position is conserved. In addition, this alteration is predicted to be tolerated by in silico analysis. Based on the available evidence, the clinical significance of this variant remains unclear.